The following is an entry in ClinVar:

ClinVar aggregate classification (germline): Uncertain significance (1 of 4 stars; one submission).

Conditions:
Hereditary pancreatitis (PCTT). Also called: PRSS1-Related Hereditary Pancreatitis; Hereditary chronic pancreatitis. Identifiers: Orphanet 676, MedGen C0238339, MONDO:0008185, OMIM 167800.

Submission:

Ambry Genetics
Classification: Uncertain significance for Hereditary pancreatitis. Last evaluated: 2023-08-04. Review status: criteria provided, single submitter. Criteria: Ambry Variant Classification Scheme 2023. Collection method: clinical testing. Allele origin: germline.
Comment: The p.N114S variant (also known as c.341A>G), located in coding exon 4 of the CTRC gene, results from an A to G substitution at nucleotide position 341. The asparagine at codon 114 is replaced by serine, an amino acid with highly similar properties. This amino acid position is conserved. In addition, this alteration is predicted to be tolerated by in silico analysis. Since supporting evidence is limited at this time, the clinical significance of this alteration remains unclear.

NM_007272.3(CTRC):c.341A>G (p.Asn114Ser)

Gene: CTRC (chymotrypsin C; plus strand). Cytogenetic location: 1p36.21.
Variant type: single nucleotide variant.
Coding change: c.341A>G on transcript NM_007272.3 (MANE Select); coding-DNA position 341, A replaced by G.
Protein change: p.Asn114Ser; replaces asparagine 114 with serine.
Molecular consequence: missense variant.
Genome position (GRCh38, 1-based): chr1:15,442,557, A>G. VCF-style: chr1-15442557-A-G. GRCh37 (hg19) VCF-style: chr1-15769053-A-G.
Other names: short protein forms N114S.
Identifiers: ClinVar variation 2626261 (VCV002626261.2), dbSNP rs2526294764, ClinGen allele CA338565694.
Genomic context (GRCh38, chr1:15,442,557, plus strand): 5'-AAGACGAAGAAGGATCCCTGTTTGTGGGTGTGGACACCATCCACGTCCACAAGAGATGGA[A>G]TGCCCTCCTGTTGCGGTGAGTGACAGACTGCCCATCCCACAGCCACTGGGGGCAGTGTGG-3'
Protein context (NP_009203.2, residues 104-124): VDTIHVHKRW[Asn114Ser]ALLLRNDIAL